The following is an entry in ClinVar:

ClinVar aggregate classification (germline): Uncertain significance. Review status: criteria provided, multiple submitters, no conflicts (2 of 4 stars). 3 submissions from 3 submitters: Uncertain significance (3). Last evaluated 2025-11-18.

Conditions:
RDH12-related disorder. Also called: RDH12-related disorders; RDH12-related condition.
Leber congenital amaurosis 13 (LCA13). Identifiers: MedGen C2675186, MONDO:0012990, OMIM 612712.

Allele frequency attached by ClinVar (database versions not stated): ExAC 0.00010; ESP Exome Variant Server 0.00015.
gnomAD v4.1: 64 of 1,600,908 alleles (0.004%); highest among the groups gnomAD compares: African/African-American, 0.024%; no homozygotes.

Submissions (3):

PreventionGenetics, part of Exact Sciences
Classification: Uncertain significance for RDH12-related condition. Last evaluated: 2025-11-18. Review status: criteria provided, single submitter. Criteria: ACMG Guidelines, 2015. Collection method: clinical testing. Allele origin: germline.
Comment: The RDH12 c.780G>T variant is predicted to result in the amino acid substitution p.Glu260Asp. This variant has been reported in one patient with primary photoreceptor degeneration, although the variant did not segregate with disease in the patient’s family (Fingert et al. 2008. PubMed ID: 18779497). This variant is reported in 0.037% of alleles in individuals of African descent in gnomAD. At this time, the clinical significance of this variant is uncertain due to the absence of conclusive functional and genetic evidence.

Labcorp Genetics (formerly Invitae), Labcorp
Classification: Uncertain significance for Leber congenital amaurosis 13. Last evaluated: 2025-02-20. Review status: criteria provided, single submitter. Criteria: Invitae Variant Classification Sherloc (09022015). Collection method: clinical testing. Allele origin: germline.
Comment: This sequence change replaces glutamic acid, which is acidic and polar, with aspartic acid, which is acidic and polar, at codon 260 of the RDH12 protein (p.Glu260Asp). This variant is present in population databases (rs140821098, gnomAD 0.04%). This missense change has been observed in individual(s) with autosomal dominant primary photoreceptor degeneration (PMID: 18779497). ClinVar contains an entry for this variant (Variation ID: 2028567). Invitae Evidence Modeling of protein sequence and biophysical properties (such as structural, functional, and spatial information, amino acid conservation, physicochemical variation, residue mobility, and thermodynamic stability) indicates that this missense variant is not expected to disrupt RDH12 protein function with a negative predictive value of 80%. In summary, the available evidence is currently insufficient to determine the role of this variant in disease. Therefore, it has been classified as a Variant of Uncertain Significance.

Blueprint Genetics
Classification: Uncertain significance. Last evaluated: 2022-08-30. Review status: criteria provided, single submitter. Criteria: ACMG Guidelines, 2015. Collection method: clinical testing. Allele origin: germline.

Literature cited by the submitters: PubMed 18779497 (cited by Labcorp Genetics (formerly Invitae), Labcorp).

NM_152443.3(RDH12):c.780G>T (p.Glu260Asp)

Genes: GPHN (gephyrin; plus strand), RDH12 (retinol dehydrogenase 12; plus strand), ZFYVE26 (zinc finger FYVE-type containing 26; minus strand). Cytogenetic location: 14q24.1.
Variant type: single nucleotide variant.
Coding change: c.780G>T on transcript NM_152443.3 (MANE Select); coding-DNA position 780, G replaced by T.
Protein change: p.Glu260Asp; replaces glutamic acid 260 with aspartic acid.
Molecular consequence: missense variant.
Genome position (GRCh38, 1-based): chr14:67,729,312, G>T. VCF-style: chr14-67729312-G-T. GRCh37 (hg19) VCF-style: chr14-68196029-G-T.
Other names: c.780G>T (NM_152443.2); short protein forms E260D.
Identifiers: ClinVar variation 2028567 (VCV002028567.5), dbSNP rs140821098, ClinGen allele CA7238815.
Genomic context (GRCh38, chr14:67,729,312, plus strand): 5'-CTCCTCCCTGCTCTGCCTGCTCTGGCGGCTCTTCTCCCCCTTTGTCAAGACGGCACGGGA[G>T]GGGGCGCAGACCAGCCTGCACTGCGCCCTGGCTGAGGGCCTGGAGCCCCTGAGTGGCAAG-3'
Protein context (NP_689656.2, residues 250-270): LFSPFVKTAR[Glu260Asp]GAQTSLHCAL